The following is an entry in ClinVar:

ClinVar aggregate classification (germline): Pathogenic/Likely pathogenic. Review status: criteria provided, multiple submitters, no conflicts (2 of 4 stars). 2 submissions from 2 submitters: Pathogenic (1); Likely pathogenic (1). Last evaluated 2021-08-26.

Conditions:
Cardiovascular phenotype. Identifiers: MedGen CN230736.
Aortic valve disease 2 (AOVD2). Identifiers: MedGen C3542024, MONDO:0013902, OMIM 614823.

Submissions (2):

Molecular Diagnostic Laboratory for Inherited Cardiovascular Disease, Montreal Heart Institute
Classification: Likely pathogenic for Cardiovascular phenotype. Last evaluated: 2021-08-26. Review status: criteria provided, single submitter. Criteria: ACMG Guidelines, 2015. Collection method: clinical testing. Allele origin: germline. Affected: yes.

Labcorp Genetics (formerly Invitae), Labcorp
Classification: Pathogenic for Aortic valve disease 2. Last evaluated: 2018-12-05. Review status: criteria provided, single submitter. Criteria: Invitae Variant Classification Sherloc (09022015). Collection method: clinical testing. Allele origin: germline.
Comment: For these reasons, this variant has been classified as Pathogenic. Donor and acceptor splice site variants typically lead to a loss of protein function (PMID: 16199547), and loss-of-function variants in TBX5 are known to be pathogenic (PMID: 16183809, 16917909). Disruption of this splice site has been observed in an individual with Holt-Oram syndrome (PMID: 16183809). This variant is not present in population databases (ExAC no frequency). This sequence change affects a donor splice site in intron 4 of the TBX5 gene. It is expected to disrupt RNA splicing and likely results in an absent or disrupted protein product.

Literature cited by the submitters: PubMed 16199547 (cited by Labcorp Genetics (formerly Invitae), Labcorp); PubMed 16183809 (cited by Labcorp Genetics (formerly Invitae), Labcorp); PubMed 16917909 (cited by Labcorp Genetics (formerly Invitae), Labcorp).

NM_181486.4(TBX5):c.362+2T>C

Gene: TBX5 (T-box transcription factor 5; minus strand). Cytogenetic location: 12q24.21.
Variant type: single nucleotide variant.
Coding change: c.362+2T>C on transcript NM_181486.4 (MANE Select); the canonical splice donor site of the intron after coding-DNA position 362, T replaced by C.
Molecular consequence: splice donor variant.
Genome position (GRCh38, 1-based): chr12:114,399,511, A>G on the plus strand (T>C on the coding strand, the complement: TBX5 is on the minus strand). VCF-style: chr12-114399511-A-G. GRCh37 (hg19) VCF-style: chr12-114837316-A-G.
Other names: c.212+2T>C (NM_080717.4); c.362+2T>C (NM_000192.3).
Identifiers: ClinVar variation 665547 (VCV000665547.10), dbSNP rs1593881162, ClinGen allele CA386862436.